The following is an entry in ClinVar:

NM_001366722.1(GRIP1):c.10_13del (p.Val4fs)

Gene: GRIP1 (glutamate receptor interacting protein 1; minus strand). Cytogenetic location: 12q14.3.
Variant type: Deletion.
Coding change: c.10_13del on transcript NM_001366722.1 (MANE Select); coding-DNA positions 10 to 13, 4 bases deleted (GTCT; older notation c.10_13delGTCT).
Protein change: p.Val4fs; shifts the reading frame from valine 4.
Molecular consequence: frameshift variant. On other transcripts: intron variant (7).
Genome position (GRCh38, 1-based): chr12:66,678,892-66,678,895, AGAC deleted on the plus strand (GTCT on the coding strand, the reverse complement: GRIP1 is on the minus strand); deleting any 4 consecutive bases within chr12:66,678,892-66,678,897 gives the same sequence; the c. name uses the placement nearest the transcript's 3' end. VCF-style (leftmost placement, unchanged base first): chr12-66678891-GAGAC-G. GRCh37 (hg19) VCF-style: chr12-67072671-GAGAC-G.
Other names: c.10_13del, p.Val4fs (NM_001178074.2, NM_001379346.1, NM_021150.4); c.59-81968_59-81965del (NM_001379351.1, NM_001379349.1); c.134-81968_134-81965del (NM_001379348.1, NM_001366723.1, NM_001379347.1 and 2 more transcripts); short protein forms V4fs.
Identifiers: ClinVar variation 1878400 (VCV001878400.1), dbSNP rs2504100355, ClinGen allele CA2580086657.

ClinVar aggregate classification (germline): Likely pathogenic (1 of 4 stars; one submission).

Conditions:
Fraser syndrome 1 (FRASRS1). Also called: CRYPTOPHTHALMOS WITH OTHER MALFORMATIONS. Identifiers: Orphanet 2052, MedGen C4551480, MONDO:0054737, OMIM 219000.

Submission:

Women's Health and Genetics/Laboratory Corporation of America, LabCorp
Classification: Likely pathogenic for Fraser syndrome 1. Last evaluated: 2022-12-28. Review status: criteria provided, single submitter. Criteria: LabCorp Variant Classification Summary - May 2015. Collection method: clinical testing. Allele origin: germline.
Comment: Variant summary: GRIP1 c.10_13delGTCT (p.Val4LeufsX9) results in a premature termination codon, predicted to cause a truncation of the encoded protein or absence of the protein due to nonsense mediated decay, which are commonly known mechanisms for disease. Truncations downstream of this position have been classified as pathogenic in ClinVar and is associated with Fraser syndrome in HGMD. The variant was absent in 248788 control chromosomes (gnomAD). To our knowledge, no occurrence of c.10_13delGTCT in individuals affected with Cryptophthalmos Syndrome and no experimental evidence demonstrating its impact on protein function have been reported. No clinical diagnostic laboratories have submitted clinical-significance assessments for this variant to ClinVar after 2014. Based on the evidence outlined above, the variant was classified as likely pathogenic.